The following is an entry in ClinVar:

NC_000003.11:g.(?_52109903)_(53164416_?)del

Genes: ALAS1 (5'-aminolevulinate synthase 1; plus strand), BAP1 (BRCA1 associated deubiquitinase 1; minus strand), DNAH1 (dynein axonemal heavy chain 1; plus strand), GLT8D1 (glycosyltransferase 8 domain containing 1; minus strand), GLYCTK (glycerate kinase; plus strand) and 25 more. Cytogenetic location: 3p21.2-21.1.
Variant type: Deletion.
Identifiers: ClinVar variation 2427145 (VCV002427145.3).

ClinVar aggregate classification (germline): no classifications from unflagged records (0 of 4 stars; one submission).

Conditions:
RFT1-congenital disorder of glycosylation (CDG1N). Also called: Congenital disorder of glycosylation type In; RFT1-CDG; CDG In. Identifiers: Orphanet 244310, MedGen C2677590, MONDO:0012783, OMIM 612015.

Submission:

Labcorp Genetics (formerly Invitae), Labcorp
Classification: Uncertain significance for RFT1-congenital disorder of glycosylation. Last evaluated: 2022-08-03. Review status: flagged submission. Criteria: Invitae Variant Classification Sherloc (09022015). Collection method: clinical testing. Allele origin: germline.
Comment: A gross deletion of the genomic region encompassing the full coding sequence of the RFT1 gene has been identified. The current clinical and genetic evidence is not sufficient to establish whether loss-of-function variants in RFT1 cause disease. The boundaries of this event are unknown as they extend beyond the assayed region for this gene and therefore may encompass additional genes. This variant has not been reported in the literature in individuals affected with RFT1-related conditions. In summary, the available evidence is currently insufficient to determine the role of this variant in disease. Therefore, it has been classified as a Variant of Uncertain Significance.
ClinVar note: Notes: This submission was flagged because its interpretation of this variant conflicts with the ClinGen Gene Dosage Map curation for the gene BAP1.
ClinVar note: Reason: Conflict with ClinGen Gene Dosage Map